The following is an entry in ClinVar:

NM_000038.6(APC):c.8450A>G (p.Asp2817Gly)

Gene: APC (APC regulator of Wnt signaling pathway; plus strand). Cytogenetic location: 5q22.2.
Variant type: single nucleotide variant.
Coding change: c.8450A>G on transcript NM_000038.6 (MANE Select); coding-DNA position 8450, A replaced by G.
Protein change: p.Asp2817Gly; replaces aspartic acid 2817 with glycine.
Molecular consequence: missense variant.
Genome position (GRCh38, 1-based): chr5:112,844,044, A>G. VCF-style: chr5-112844044-A-G. GRCh37 (hg19) VCF-style: chr5-112179741-A-G.
Other names: c.8450A>G, p.Asp2817Gly (NM_001127510.3, NM_001354895.2); c.8396A>G, p.Asp2799Gly (NM_001127511.3); c.8504A>G, p.Asp2835Gly (NM_001354896.2); c.8480A>G, p.Asp2827Gly (NM_001354897.2); c.8375A>G, p.Asp2792Gly (NM_001354898.2); c.8366A>G, p.Asp2789Gly (NM_001354899.2); c.8327A>G, p.Asp2776Gly (NM_001354900.2); c.8273A>G, p.Asp2758Gly (NM_001354901.2); and 5 more; short protein forms D2657G, D2799G, D2817G, D2691G, D2789G, D2792G, D2827G, D2534G.
Identifiers: ClinVar variation 923804 (VCV000923804.13), dbSNP rs1766751871, ClinGen allele CA16039661.

ClinVar aggregate classification (germline): Uncertain significance. Review status: criteria provided, multiple submitters, no conflicts (2 of 4 stars). 3 submissions from 3 submitters: Uncertain significance (3). Last evaluated 2025-03-29.

Conditions:
Hereditary cancer-predisposing syndrome. Also called: Neoplastic Syndromes, Hereditary; Tumor predisposition; Hereditary Cancer Syndrome; Hereditary neoplastic syndrome. Identifiers: Orphanet 140162, MedGen C0027672, MeSH D009386, MONDO:0015356.
Familial adenomatous polyposis 1 (FAP1). Also called: FAMILIAL ADENOMATOUS POLYPOSIS 1, ATTENUATED; POLYPOSIS, ADENOMATOUS INTESTINAL. Identifiers: MedGen C2713442, MONDO:0021056, OMIM 175100. Disease mechanism: loss of function.

Allele frequency attached by ClinVar (database versions not stated): gnomAD exomes below 0.00001.
gnomAD v4.1: 4 of 1,602,364 alleles (0.00025%); highest among the groups gnomAD compares: Non-Finnish European, 0.00034%; no homozygotes.

Submissions (3):

Labcorp Genetics (formerly Invitae), Labcorp
Classification: Uncertain significance for Familial adenomatous polyposis 1. Last evaluated: 2025-03-29. Review status: criteria provided, single submitter. Criteria: Invitae Variant Classification Sherloc (09022015). Collection method: clinical testing. Allele origin: germline.
Comment: This sequence change replaces aspartic acid, which is acidic and polar, with glycine, which is neutral and non-polar, at codon 2817 of the APC protein (p.Asp2817Gly). This variant is not present in population databases (gnomAD no frequency). This variant has not been reported in the literature in individuals affected with APC-related conditions. ClinVar contains an entry for this variant (Variation ID: 923804). Invitae Evidence Modeling of protein sequence and biophysical properties (such as structural, functional, and spatial information, amino acid conservation, physicochemical variation, residue mobility, and thermodynamic stability) indicates that this missense variant is not expected to disrupt APC protein function with a negative predictive value of 95%. In summary, the available evidence is currently insufficient to determine the role of this variant in disease. Therefore, it has been classified as a Variant of Uncertain Significance.

Ambry Genetics
Classification: Uncertain significance for Hereditary cancer-predisposing syndrome. Last evaluated: 2024-10-20. Review status: criteria provided, single submitter. Criteria: Ambry Variant Classification Scheme 2023. Collection method: clinical testing. Allele origin: germline.
Comment: The p.D2817G variant (also known as c.8450A>G), located in coding exon 15 of the APC gene, results from an A to G substitution at nucleotide position 8450. The aspartic acid at codon 2817 is replaced by glycine, an amino acid with similar properties. This amino acid position is conserved. In addition, in silico predictors for this gene do not accurately predict pathogenicity. Based on the available evidence, the clinical significance of this variant remains unclear.

Color Diagnostics, LLC DBA Color Health
Classification: Uncertain significance for Hereditary cancer-predisposing syndrome. Last evaluated: 2024-03-06. Review status: criteria provided, single submitter. Criteria: ACMG Guidelines, 2015. Collection method: clinical testing. Allele origin: germline.
Comment: This missense variant replaces aspartic acid with glycine at codon 2817 of the APC protein. Computational prediction is inconclusive regarding the impact of this variant on protein structure and function (internally defined REVEL score threshold 0.5 < inconclusive < 0.7, PMID: 27666373). Splice site prediction tools suggest that this variant may not impact RNA splicing. To our knowledge, functional studies have not been performed for this variant. This variant has not been reported in individuals affected with hereditary cancer in the literature. This variant has not been identified in the general population by the Genome Aggregation Database (gnomAD). The available evidence is insufficient to determine the role of this variant in disease conclusively. Therefore, this variant is classified as a Variant of Uncertain Significance.